The following is an entry in ClinVar:

ClinVar aggregate classification (germline): Conflicting classifications of pathogenicity. Review status: criteria provided, conflicting classifications (1 of 4 stars). 3 submissions from 3 submitters: Uncertain significance (1); Likely benign (2). Last evaluated 2026-03-18.

Conditions:
GCM2-related disorder. Also called: GCM2-related condition.

Allele frequency attached by ClinVar (database versions not stated): gnomAD exomes 0.00007 and 0.00026; gnomAD 0.00016 and 0.00019; TOPMed 0.00019; ExAC 0.00022; 1000 Genomes Project 30x 0.00125; 1000 Genomes Project 0.00160.
gnomAD v4.1: 135 of 1,614,084 alleles (0.0084%); highest among the groups gnomAD compares: East Asian, 0.21%; no homozygotes.

Submissions (3):

Women's Health and Genetics/Laboratory Corporation of America, LabCorp
Classification: Likely benign. Last evaluated: 2026-03-18. Review status: criteria provided, single submitter. Criteria: LabCorp Variant Classification Summary - May 2015. Collection method: clinical testing. Allele origin: germline.
Comment: Variant summary: GCM2 c.1298C>T (p.Pro433Leu) results in a non-conservative amino acid change in the encoded protein sequence. Algorithms developed to predict the effect of missense changes on protein structure and function are either unavailable or do not agree on the potential impact of this missense change. The variant allele was found at a frequency of 0.00026 in 251268 control chromosomes, predominantly at a frequency of 0.0031 within the East Asian subpopulation in the gnomAD database. The observed variant frequency within East Asian control individuals in the gnomAD database exceeds the estimated maximal expected allele frequency for disease-causing variants in GCM2. To our knowledge, no occurrence of c.1298C>T in individuals affected with GCM2-related conditions and no experimental evidence demonstrating its impact on protein function have been reported. ClinVar contains an entry for this variant (Variation ID: 759831). Based on the evidence outlined above, the variant was classified as likely benign.

Labcorp Genetics (formerly Invitae), Labcorp
Classification: Likely benign. Last evaluated: 2025-11-16. Review status: criteria provided, single submitter. Criteria: Invitae Variant Classification Sherloc (09022015). Collection method: clinical testing. Allele origin: germline.

PreventionGenetics, part of Exact Sciences
Classification: Uncertain significance for GCM2-related condition. Last evaluated: 2025-01-15. Review status: criteria provided, single submitter. Criteria: ACMG Guidelines, 2015. Collection method: clinical testing. Allele origin: germline.
Comment: The GCM2 c.1298C>T variant is predicted to result in the amino acid substitution p.Pro433Leu. To our knowledge, this variant has not been reported in the literature. This variant is reported in 0.32% of alleles in individuals of East Asian descent in gnomAD, but at much lower frequencies in other populations. Although we suspect that this variant may be benign, at this time, the clinical significance of this variant is uncertain due to the absence of conclusive functional and genetic evidence.

NM_004752.4(GCM2):c.1298C>T (p.Pro433Leu)

Gene: GCM2 (GCM transcription factor 2; minus strand). Cytogenetic location: 6p24.2.
Variant type: single nucleotide variant.
Coding change: c.1298C>T on transcript NM_004752.4 (MANE Select); coding-DNA position 1298, C replaced by T.
Protein change: p.Pro433Leu; replaces proline 433 with leucine.
Molecular consequence: missense variant.
Genome position (GRCh38, 1-based): chr6:10,874,218, G>A on the plus strand (C>T on the coding strand, the complement: GCM2 is on the minus strand). VCF-style: chr6-10874218-G-A. GRCh37 (hg19) VCF-style: chr6-10874451-G-A.
Other names: short protein forms P433L.
Identifiers: ClinVar variation 759831 (VCV000759831.10), dbSNP rs200926987, ClinGen allele CA3633908.